The following is an entry in ClinVar:

NM_003482.4(KMT2D):c.6815T>G (p.Leu2272Arg)

Gene: KMT2D (lysine methyltransferase 2D; minus strand). Cytogenetic location: 12q13.12.
Variant type: single nucleotide variant.
Coding change: c.6815T>G on transcript NM_003482.4 (MANE Select); coding-DNA position 6815, T replaced by G.
Protein change: p.Leu2272Arg; replaces leucine 2272 with arginine.
Molecular consequence: missense variant.
Genome position (GRCh38, 1-based): chr12:49,040,955, A>C on the plus strand (T>G on the coding strand, the complement: KMT2D is on the minus strand). VCF-style: chr12-49040955-A-C. GRCh37 (hg19) VCF-style: chr12-49434738-A-C.
Other names: short protein forms L2272R.
Identifiers: ClinVar variation 1710777 (VCV001710777.2), dbSNP rs1943488544, ClinGen allele CA384749576.

ClinVar aggregate classification (germline): Uncertain significance (1 of 4 stars; one submission).

Allele frequency attached by ClinVar (database versions not stated): TOPMed below 0.00001.

Submission:

GeneDx
Classification: Uncertain significance. Last evaluated: 2022-04-15. Review status: criteria provided, single submitter. Criteria: GeneDx Variant Classification Process June 2021. Collection method: clinical testing. Allele origin: germline. Affected: yes.
Comment: Not observed at significant frequency in large population cohorts (gnomAD); In silico analysis supports that this missense variant does not alter protein structure/function; Has not been previously published as pathogenic or benign to our knowledge